The following is an entry in ClinVar:

NM_032119.4(ADGRV1):c.15115A>G (p.Lys5039Glu)

Gene: ADGRV1 (adhesion G protein-coupled receptor V1; plus strand). Cytogenetic location: 5q14.3.
Variant type: single nucleotide variant.
Coding change: c.15115A>G on transcript NM_032119.4 (MANE Select); coding-DNA position 15115, A replaced by G.
Protein change: p.Lys5039Glu; replaces lysine 5039 with glutamic acid.
Molecular consequence: missense variant. On other transcripts: non-coding transcript variant (1).
Genome position (GRCh38, 1-based): chr5:90,810,375, A>G. VCF-style: chr5-90810375-A-G. GRCh37 (hg19) VCF-style: chr5-90106192-A-G.
Other names: c.15115A>G (NM_032119.3); short protein forms K5039E.
Identifiers: ClinVar variation 1360870 (VCV001360870.7), dbSNP rs1762328512, ClinGen allele CA360407693.

ClinVar aggregate classification (germline): Uncertain significance. Review status: criteria provided, multiple submitters, no conflicts (2 of 4 stars). 2 submissions from 2 submitters: Uncertain significance (2). Last evaluated 2024-07-23.

Allele frequency attached by ClinVar (database versions not stated): gnomAD exomes below 0.00001; TOPMed 0.00001.
gnomAD v4.1: 3 of 1,613,836 alleles (0.00019%); highest among the groups gnomAD compares: African/African-American, 0.0013%; no homozygotes.

Submissions (2):

GeneDx
Classification: Uncertain significance. Last evaluated: 2024-07-23. Review status: criteria provided, single submitter. Criteria: GeneDx Variant Classification Process June 2021. Collection method: clinical testing. Allele origin: germline. Affected: yes.
Comment: Not observed at significant frequency in large population cohorts (gnomAD); In silico analysis indicates that this missense variant does not alter protein structure/function; Has not been previously published as pathogenic or benign to our knowledge

Labcorp Genetics (formerly Invitae), Labcorp
Classification: Uncertain significance. Last evaluated: 2021-08-22. Review status: criteria provided, single submitter. Criteria: Invitae Variant Classification Sherloc (09022015). Collection method: clinical testing. Allele origin: germline.
Comment: This variant has not been reported in the literature in individuals affected with ADGRV1-related conditions. This variant is not present in population databases (ExAC no frequency). This sequence change replaces lysine with glutamic acid at codon 5039 of the ADGRV1 protein (p.Lys5039Glu). The lysine residue is moderately conserved and there is a small physicochemical difference between lysine and glutamic acid. Algorithms developed to predict the effect of missense changes on protein structure and function output the following: SIFT: "Tolerated"; PolyPhen-2: "Benign"; Align-GVGD: "Class C0". The glutamic acid amino acid residue is found in multiple mammalian species, which suggests that this missense change does not adversely affect protein function. In summary, the available evidence is currently insufficient to determine the role of this variant in disease. Therefore, it has been classified as a Variant of Uncertain Significance.